The following is an entry in ClinVar:

NM_152263.4(TPM3):c.92A>C (p.Lys31Thr)

Gene: TPM3 (tropomyosin 3; minus strand). Cytogenetic location: 1q21.3.
Variant type: single nucleotide variant.
Coding change: c.92A>C on transcript NM_152263.4 (MANE Select); coding-DNA position 92, A replaced by C.
Protein change: p.Lys31Thr; replaces lysine 31 with threonine.
Molecular consequence: missense variant. On other transcripts: non-coding transcript variant (1).
Genome position (GRCh38, 1-based): chr1:154,191,927, T>G on the plus strand (A>C on the coding strand, the complement: TPM3 is on the minus strand). VCF-style: chr1-154191927-T-G. GRCh37 (hg19) VCF-style: chr1-154164403-T-G.
Other names: c.92A>C, p.Lys31Thr (NM_001364679.2, NM_001364680.2, NM_001364681.2 and 1 more transcripts); short protein forms K31T.
Identifiers: ClinVar variation 212413 (VCV000212413.28), dbSNP rs62000429, ClinGen allele CA208516.

ClinVar aggregate classification (germline): Benign/Likely benign. Review status: criteria provided, multiple submitters, no conflicts (2 of 4 stars). 9 submissions from 8 submitters: Benign (4); Likely benign (4). 1 of the submissions does not count toward it. Last evaluated 2026-02-01.

Conditions:
TPM3-related disorder. Also called: TPM3-related condition.
Congenital myopathy with fiber type disproportion. Also called: Congenital fiber-type disproportion myopathy; Congenital fiber-type disproportion. Identifiers: Orphanet 2020, MedGen C0546264, MONDO:0009711. Inheritance: all.
Congenital myopathy 4B, autosomal recessive. Also called: Nemaline myopathy 1, autosomal dominant or recessive. Identifiers: Orphanet 171433, Orphanet 171439, Orphanet 171881, MedGen C5829889, MONDO:0012239, OMIM 609284.

Allele frequency attached by ClinVar (database versions not stated): gnomAD exomes 0.00052 and 0.00132; gnomAD 0.00596 and 0.00553; TOPMed 0.00613; 1000 Genomes Project 30x 0.00609; ExAC 0.00149; 1000 Genomes Project 0.00519; ESP Exome Variant Server 0.00647.

Submissions (9):

Labcorp Genetics (formerly Invitae), Labcorp
Classification: Benign for Congenital myopathy with fiber type disproportion; Congenital myopathy 4B, autosomal recessive. Last evaluated: 2026-02-01. Review status: criteria provided, single submitter. Criteria: Invitae Variant Classification Sherloc (09022015). Collection method: clinical testing. Allele origin: germline.

Athena Diagnostics
Classification: Likely benign. Last evaluated: 2019-07-09. Review status: criteria provided, single submitter. Criteria: Athena Diagnostics Criteria. Collection method: clinical testing. Allele origin: germline.

GeneDx
Classification: Benign. Last evaluated: 2018-04-18. Review status: criteria provided, single submitter. Criteria: GeneDx Variant Classification Process June 2021. Collection method: clinical testing. Allele origin: germline. Affected: yes.

Illumina Laboratory Services, Illumina
Classification: Likely benign for Congenital myopathy 4B, autosomal recessive. Last evaluated: 2018-01-13. Review status: criteria provided, single submitter. Criteria: ICSL Variant Classification Criteria 13 December 2019. Collection method: clinical testing. Allele origin: germline.
Comment: This variant was observed in the ICSL laboratory as part of a predisposition screen in an ostensibly healthy population. It had not been previously curated by ICSL or reported in the Human Gene Mutation Database (HGMD: prior to June 1st, 2018), and was therefore a candidate for classification through an automated scoring system. Utilizing variant allele frequency, disease prevalence and penetrance estimates, and inheritance mode, an automated score was calculated to assess if this variant is too frequent to cause the disease. Based on the score and internal cut-off values, a variant classified as likely benign is not then subjected to further curation. The score for this variant resulted in a classification of likely benign for this disease.

Illumina Laboratory Services, Illumina
Classification: Benign for Congenital myopathy 4A, autosomal dominant. Last evaluated: 2018-01-13. Review status: criteria provided, single submitter. Criteria: ICSL Variant Classification Criteria 13 December 2019. Collection method: clinical testing. Allele origin: germline.
Comment: This variant was observed in the ICSL laboratory as part of a predisposition screen in an ostensibly healthy population. It had not been previously curated by ICSL or reported in the Human Gene Mutation Database (HGMD: prior to June 1st, 2018), and was therefore a candidate for classification through an automated scoring system. Utilizing variant allele frequency, disease prevalence and penetrance estimates, and inheritance mode, an automated score was calculated to assess if this variant is too frequent to cause the disease. Based on the score and internal cut-off values, a variant classified as benign is not then subjected to further curation. The score for this variant resulted in a classification of benign for this disease.

Genetic Services Laboratory, University of Chicago
Classification: Likely benign. Last evaluated: 2015-05-13. Review status: criteria provided, single submitter. Criteria: ACMG Guidelines, 2015. Collection method: clinical testing. Allele origin: germline.

Laboratory for Molecular Medicine, Mass General Brigham Personalized Medicine
Classification: Benign. Last evaluated: 2014-11-24. Review status: criteria provided, single submitter. Criteria: LMM Criteria. Collection method: clinical testing. Allele origin: germline. Observed: 1 variant allele.
Comment: Lys31Thr in exon 1 of TPM3: This variant is not expected to have clinical signif icance because it has been identified in 1.9% (81/4196) of African American chro mosomes from a broad population by the NHLBI Exome Sequencing Project (s.; dbSNP rs62000429).

Breakthrough Genomics
Classification: Likely benign. Review status: criteria provided, single submitter. Criteria: ACMG Guidelines, 2015. Collection method: not provided. Allele origin: germline. Inheritance: Autosomal dominant inheritance. Affected: yes.

PreventionGenetics, part of Exact Sciences
Classification: Benign for TPM3-related condition. Last evaluated: 2019-05-29. Review status: no assertion criteria provided. Collection method: clinical testing. Allele origin: germline. Not counted in ClinVar's aggregate classification.
Comment: This variant is classified as benign based on ACMG/AMP sequence variant interpretation guidelines (Richards et al. 2015 PMID: 25741868, with internal and published modifications).